The following is an entry in ClinVar:

ClinVar aggregate classification (germline): Uncertain significance (1 of 4 stars; one submission).

Submission:

Labcorp Genetics (formerly Invitae), Labcorp
Classification: Uncertain significance. Last evaluated: 2022-08-21. Review status: criteria provided, single submitter. Criteria: Invitae Variant Classification Sherloc (09022015). Collection method: clinical testing. Allele origin: germline.
Comment: In summary, the available evidence is currently insufficient to determine the role of this variant in disease. Therefore, it has been classified as a Variant of Uncertain Significance. Advanced modeling of protein sequence and biophysical properties (such as structural, functional, and spatial information, amino acid conservation, physicochemical variation, residue mobility, and thermodynamic stability) performed at Invitae indicates that this missense variant is not expected to disrupt SLC26A3 protein function. This variant has not been reported in the literature in individuals affected with SLC26A3-related conditions. This variant is not present in population databases (gnomAD no frequency). This sequence change replaces alanine, which is neutral and non-polar, with serine, which is neutral and polar, at codon 66 of the SLC26A3 protein (p.Ala66Ser).

NM_000111.3(SLC26A3):c.196G>T (p.Ala66Ser)

Gene: SLC26A3 (solute carrier family 26 member 3; minus strand). Cytogenetic location: 7q22.3.
Variant type: single nucleotide variant.
Coding change: c.196G>T on transcript NM_000111.3 (MANE Select); coding-DNA position 196, G replaced by T.
Protein change: p.Ala66Ser; replaces alanine 66 with serine.
Molecular consequence: missense variant.
Genome position (GRCh38, 1-based): chr7:107,793,817, C>A on the plus strand (G>T on the coding strand, the complement: SLC26A3 is on the minus strand). VCF-style: chr7-107793817-C-A. GRCh37 (hg19) VCF-style: chr7-107434262-C-A.
Other names: short protein forms A66S.
Identifiers: ClinVar variation 1717509 (VCV001717509.5), dbSNP rs2535477123, ClinGen allele CA368854212.
Genomic context (GRCh38, chr7:107,793,817, plus strand): 5'-CAATCCCTGTGCTGATACCAGAAACAATATCACTGAGCAACCATTCTTTAAGCCGGTATG[C>A]TGGCAACCAAGATGCTATGGGGAACAAAGAGAGGACAATTCTCTTGGCCTTTTGTGGGGA-3'
Protein context (NP_000102.1, residues 56-76): SLFPIASWLP[Ala66Ser]YRLKEWLLSD